The following is an entry in ClinVar:

NM_004333.6(BRAF):c.1794_1795insGTT (p.Ala598_Thr599insVal)

Gene: BRAF (B-Raf proto-oncogene, serine/threonine kinase; minus strand). Cytogenetic location: 7q34.
Variant type: Insertion.
Coding change: c.1794_1795insGTT on transcript NM_004333.6 (MANE Select); coding-DNA positions 1794 to 1795, GTT inserted.
Protein change: p.Ala598_Thr599insVal.
Genome position: GRCh38 VCF-style: chr7-140753340-T-TAAC. GRCh37 (hg19) VCF-style: chr7-140453140-T-TAAC.
Other names: c.1794_1795insGTT, p.Ala598_Thr599insVal (NM_001354609.2, NM_001378468.1, NM_001378474.1); c.1914_1915insGTT, p.Ala638_Thr639insVal (NM_001374244.1, NM_001374258.1); c.1803_1804insGTT, p.Ala601_Thr602insVal (NM_001378467.1); c.1728_1729insGTT, p.Ala576_Thr577insVal (NM_001378469.1); c.1692_1693insGTT, p.Ala564_Thr565insVal (NM_001378470.1); c.1683_1684insGTT, p.Ala561_Thr562insVal (NM_001378471.1); c.1638_1639insGTT, p.Ala546_Thr547insVal (NM_001378472.1, NM_001378473.1); c.1530_1531insGTT, p.Ala510_Thr511insVal (NM_001378475.1).
Identifiers: ClinVar variation 4530168 (VCV004530168.1).

ClinVar aggregate classification (somatic clinical impact): Tier I - Strong (1 of 4 stars; one submission).

Conditions:
Pilocytic astrocytoma. Also called: Pilocytic astrocytoma, somatic. Identifiers: Orphanet 251612, MedGen C0334583, MONDO:0016691, HP:0033680.

Submission:

Institute for Genomic Medicine (IGM) Clinical Laboratory, Nationwide Children's Hospital
Classification: Tier I - Strong for Pilocytic astrocytoma. Assertion type: diagnostic. Clinical significance: supports diagnosis. Last evaluated: 2023-06-01. Review status: criteria provided, single submitter. Criteria: AMP/ASCO/CAP Guidelines, 2017. Collection method: clinical testing. Allele origin: somatic. Affected: yes.
Comment: Variant has Tier I (strong) clinical significance as a diagnostic inclusion criterion in pilocytic astrocytoma, based on the following evidence: 1) Appears in one or more well-established professional guidelines (e.g., World Health Organization [WHO]; National Comprehensive Cancer Network [NCCN]) as providing diagnostic, prognostic, or therapeutic information. 2) Information in the literature supports potential biologic effect of variant (PMID: 16501605). 3) Diagnostic for a specific tumor type/classification according to professional guidelines (Evidence Level A).

Literature cited by the submitters: PubMed 16501605.